The following is an entry in ClinVar:

NM_007347.5(AP4E1):c.382C>T (p.His128Tyr)

Gene: AP4E1 (adaptor related protein complex 4 subunit epsilon 1; plus strand). Cytogenetic location: 15q21.2.
Variant type: single nucleotide variant.
Coding change: c.382C>T on transcript NM_007347.5 (MANE Select); coding-DNA position 382, C replaced by T.
Protein change: p.His128Tyr; replaces histidine 128 with tyrosine.
Molecular consequence: missense variant.
Genome position (GRCh38, 1-based): chr15:50,923,966, C>T. VCF-style: chr15-50923966-C-T. GRCh37 (hg19) VCF-style: chr15-51216163-C-T.
Other names: c.157C>T, p.His53Tyr (NM_001252127.2); short protein forms H53Y, H128Y.
Identifiers: ClinVar variation 1383328 (VCV001383328.7), dbSNP rs2063738778, ClinGen allele CA392414619.
Genomic context (GRCh38, chr15:50,923,966, plus strand): 5'-CAGACTTTTCCCTCAACTTTTATAGGTTATTTGGCTGTTTCCTTATTTCTACATGAAAGT[C>T]ATGAATTATTGCTTCTCCTTGTGAATACAGTTGTAAAGGTATTGTATTGTATGTTGGTTA-3'
Protein context (NP_031373.2, residues 118-138): LAVSLFLHES[His128Tyr]ELLLLLVNTV

ClinVar aggregate classification (germline): Uncertain significance. Review status: criteria provided, multiple submitters, no conflicts (2 of 4 stars). 2 submissions from 2 submitters: Uncertain significance (2). Last evaluated 2022-05-24.

Conditions:
Spastic paraplegia. Identifiers: MedGen C0037772, HP:0001258.
Stuttering, familial persistent, 1. Also called: STAMMERING. Identifiers: MedGen C3489627, MONDO:0008483, OMIM 184450.
Hereditary spastic paraplegia 51. Also called: CEREBRAL PALSY, SPASTIC QUADRIPLEGIC, 4; Spastic paraplegia 51, autosomal recessive. Identifiers: Orphanet 280763, MedGen C3151056, MONDO:0013401, OMIM 613744.

Allele frequency attached by ClinVar (database versions not stated): TOPMed below 0.00001.
gnomAD v4.1: 1 of 1,612,064 alleles (0.000062%); highest among the groups gnomAD compares: Admixed American, 0.0017%; no homozygotes.

Submissions (2):

Fulgent Genetics
Classification: Uncertain significance for Stuttering, familial persistent, 1; Hereditary spastic paraplegia 51. Last evaluated: 2022-05-24. Review status: criteria provided, single submitter. Criteria: ACMG Guidelines, 2015. Collection method: clinical testing. Allele origin: unknown.

Labcorp Genetics (formerly Invitae), Labcorp
Classification: Uncertain significance for Spastic paraplegia. Last evaluated: 2021-11-03. Review status: criteria provided, single submitter. Criteria: Invitae Variant Classification Sherloc (09022015). Collection method: clinical testing. Allele origin: germline.
Comment: In summary, the available evidence is currently insufficient to determine the role of this variant in disease. Therefore, it has been classified as a Variant of Uncertain Significance. Algorithms developed to predict the effect of missense changes on protein structure and function are either unavailable or do not agree on the potential impact of this missense change (SIFT: "Deleterious"; PolyPhen-2: "Probably Damaging"; Align-GVGD: "Class C0"). This variant has not been reported in the literature in individuals affected with AP4E1-related conditions. This variant is not present in population databases (gnomAD no frequency). This sequence change replaces histidine, which is basic and polar, with tyrosine, which is neutral and polar, at codon 128 of the AP4E1 protein (p.His128Tyr).